The following is an entry in ClinVar:

ClinVar aggregate classification (germline): Uncertain significance (1 of 4 stars; one submission).

Conditions:
Dyskeratosis congenita, autosomal recessive 5 (DKCB5). Identifiers: MedGen C3554656, MONDO:0014076, OMIM 615190.
Pulmonary fibrosis and/or bone marrow failure, Telomere-related, 3. Also called: PULMONARY FIBROSIS AND/OR BONE MARROW FAILURE SYNDROME, TELOMERE-RELATED, 3. Identifiers: Orphanet 2032, MedGen C4225346, MONDO:0014613, OMIM 616373.

gnomAD v4.1: 2 of 1,613,942 alleles (0.00012%); highest among the groups gnomAD compares: Admixed American, 0.0033%; no homozygotes.

Submission:

Labcorp Genetics (formerly Invitae), Labcorp
Classification: Uncertain significance for Dyskeratosis congenita, autosomal recessive 5; Pulmonary fibrosis and/or bone marrow failure, Telomere-related, 3. Last evaluated: 2025-05-05. Review status: criteria provided, single submitter. Criteria: Invitae Variant Classification Sherloc (09022015). Collection method: clinical testing. Allele origin: germline.
Comment: This sequence change replaces histidine, which is basic and polar, with proline, which is neutral and non-polar, at codon 270 of the RTEL1 protein (p.His270Pro). This variant is present in population databases (no rsID available, gnomAD 0.1%). This variant has not been reported in the literature in individuals affected with RTEL1-related conditions. ClinVar contains an entry for this variant (Variation ID: 3750864). An algorithm developed to predict the effect of missense changes on protein structure and function (PolyPhen-2) suggests that this variant is likely to be tolerated. In summary, the available evidence is currently insufficient to determine the role of this variant in disease. Therefore, it has been classified as a Variant of Uncertain Significance.

NM_001283009.2(RTEL1):c.809A>C (p.His270Pro)

Genes: RTEL1 (regulator of telomere elongation helicase 1; plus strand), RTEL1-TNFRSF6B (RTEL1-TNFRSF6B readthrough (NMD candidate); plus strand). Cytogenetic location: 20q13.33.
Variant type: single nucleotide variant.
Coding change: c.809A>C on transcript NM_001283009.2 (MANE Select); coding-DNA position 809, A replaced by C.
Protein change: p.His270Pro; replaces histidine 270 with proline.
Molecular consequence: missense variant. On other transcripts: non-coding transcript variant (1).
Genome position (GRCh38, 1-based): chr20:63,673,983, A>C. VCF-style: chr20-63673983-A-C. GRCh37 (hg19) VCF-style: chr20-62305336-A-C.
Other names: c.140A>C, p.His47Pro (NM_001283010.1); c.809A>C, p.His270Pro (NM_016434.4); c.881A>C, p.His294Pro (NM_032957.5); short protein forms H270P, H294P, H47P.
Identifiers: ClinVar variation 3750864 (VCV003750864.2).